The following is an entry in ClinVar:

ClinVar aggregate classification (germline): Uncertain significance (1 of 4 stars; one submission).

Conditions:
Muscular dystrophy-dystroglycanopathy (congenital with brain and eye anomalies), type a, 11 (MDDGA11). Also called: WALKER-WARBURG SYNDROME OR MUSCLE-EYE-BRAIN DISEASE, B3GALNT2-RELATED; Congenital muscular dystrophy-dystroglycanopathy with brain and eye anomalies, type A11; Muscular dystrophy-dystroglycanopathy (congenital with brain and eye anomalies, type A, 11. Identifiers: Orphanet 588, Orphanet 899, MedGen C3554638, MONDO:0014071, OMIM 615181.

gnomAD v4.1: 3 of 1,613,130 alleles (0.00019%); highest among the groups gnomAD compares: Non-Finnish European, 0.00025%; no homozygotes.

Submission:

Labcorp Genetics (formerly Invitae), Labcorp
Classification: Uncertain significance for Muscular dystrophy-dystroglycanopathy (congenital with brain and eye anomalies), type a, 11. Last evaluated: 2022-06-26. Review status: criteria provided, single submitter. Criteria: Invitae Variant Classification Sherloc (09022015). Collection method: clinical testing. Allele origin: germline.
Comment: Algorithms developed to predict the effect of missense changes on protein structure and function output the following: SIFT: "Tolerated"; PolyPhen-2: "Benign"; Align-GVGD: "Class C0". The serine amino acid residue is found in multiple mammalian species, which suggests that this missense change does not adversely affect protein function. In summary, the available evidence is currently insufficient to determine the role of this variant in disease. Therefore, it has been classified as a Variant of Uncertain Significance. This variant has not been reported in the literature in individuals affected with B3GALNT2-related conditions. This sequence change replaces asparagine, which is neutral and polar, with serine, which is neutral and polar, at codon 302 of the B3GALNT2 protein (p.Asn302Ser). This variant is not present in population databases (gnomAD no frequency).

NM_152490.5(B3GALNT2):c.905A>G (p.Asn302Ser)

Gene: B3GALNT2 (beta-1,3-N-acetylgalactosaminyltransferase 2; minus strand). Cytogenetic location: 1q42.3.
Variant type: single nucleotide variant.
Coding change: c.905A>G on transcript NM_152490.5 (MANE Select); coding-DNA position 905, A replaced by G.
Protein change: p.Asn302Ser; replaces asparagine 302 with serine.
Molecular consequence: missense variant.
Genome position (GRCh38, 1-based): chr1:235,458,723, T>C on the plus strand (A>G on the coding strand, the complement: B3GALNT2 is on the minus strand). VCF-style: chr1-235458723-T-C. GRCh37 (hg19) VCF-style: chr1-235622031-T-C.
Other names: short protein forms N302S.
Identifiers: ClinVar variation 1936459 (VCV001936459.5), dbSNP rs1268009866, ClinGen allele CA344960136.